The following is an entry in ClinVar:

ClinVar aggregate classification (germline): Uncertain significance (1 of 4 stars; one submission).

Submission:

GeneDx
Classification: Uncertain significance. Last evaluated: 2022-08-16. Review status: criteria provided, single submitter. Criteria: GeneDx Variant Classification Process June 2021. Collection method: clinical testing. Allele origin: germline. Affected: yes.
Comment: Not observed at significant frequency in large population cohorts (gnomAD); In silico analysis supports that this missense variant does not alter protein structure/function; Has not been previously published as pathogenic or benign to our knowledge

NM_015335.5(MED13L):c.971C>T (p.Pro324Leu)

Gene: MED13L (mediator complex subunit 13L; minus strand). Cytogenetic location: 12q24.21.
Variant type: single nucleotide variant.
Coding change: c.971C>T on transcript NM_015335.5 (MANE Select); coding-DNA position 971, C replaced by T.
Protein change: p.Pro324Leu; replaces proline 324 with leucine.
Molecular consequence: missense variant.
Genome position (GRCh38, 1-based): chr12:116,019,262, G>A on the plus strand (C>T on the coding strand, the complement: MED13L is on the minus strand). VCF-style: chr12-116019262-G-A. GRCh37 (hg19) VCF-style: chr12-116457067-G-A.
Other names: short protein forms P324L.
Identifiers: ClinVar variation 2430572 (VCV002430572.1), dbSNP rs2499943458, ClinGen allele CA386899248.